The following is an entry in ClinVar:

NM_000052.7(ATP7A):c.2557G>T (p.Gly853Ter)

Gene: ATP7A (ATPase copper transporting alpha; plus strand). Cytogenetic location: Xq21.1.
Variant type: single nucleotide variant.
Coding change: c.2557G>T on transcript NM_000052.7 (MANE Select); coding-DNA position 2557, G replaced by T.
Protein change: p.Gly853Ter; replaces glycine 853 with a stop codon.
Molecular consequence: nonsense.
Genome position (GRCh38, 1-based): chrX:78,015,812, G>T. VCF-style: chrX-78015812-G-T. GRCh37 (hg19) VCF-style: chrX-77271309-G-T.
Other names: c.2323G>T, p.Gly775Ter (NM_001282224.2); short protein forms G775*, G853*.
Identifiers: ClinVar variation 1320240 (VCV001320240.2), dbSNP rs2149097380, ClinGen allele CA413601000.

ClinVar aggregate classification (germline): Pathogenic/Likely pathogenic. Review status: criteria provided, multiple submitters, no conflicts (2 of 4 stars). 2 submissions from 2 submitters: Pathogenic (1); Likely pathogenic (1). Last evaluated 2024-05-08.

Conditions:
Cutis laxa, X-linked (OHS). Also called: EDS IX; Occipital horn syndrome. Identifiers: Orphanet 198, MedGen C0268353, MONDO:0010572, OMIM 304150.
Menkes kinky-hair syndrome (MNK). Also called: Classic Menkes Disease; Copper transport disease; Menkes Disease. Identifiers: Orphanet 565, MedGen C0022716, MONDO:0010651, OMIM 309400.

Submissions (2):

Myriad Genetics, Inc.
Classification: Pathogenic for Menkes kinky-hair syndrome. Last evaluated: 2024-05-08. Review status: criteria provided, single submitter. Criteria: Myriad Autosomal Dominant, Autosomal Recessive and X-Linked Classification Criteria (2023). Collection method: clinical testing. Allele origin: unknown.
Comment: NM_000052.5(ATP7A):c.2557G>T(G853*) is expected to be pathogenic in the context of ATP7A-related disorders. This variant is predicted to lead to an abnormal or absent protein product due to the creation of a premature termination codon in ATP7A, a gene where loss-of-function variants are known to be pathogenic. Please note: this variant was assessed in the context of healthy population screening.

3billion
Classification: Likely pathogenic for Cutis laxa, X-linked. Last evaluated: 2021-10-02. Review status: criteria provided, single submitter. Criteria: ACMG Guidelines, 2015. Collection method: clinical testing. Allele origin: unknown. Affected: yes. Observed: 1 hemizygote.
Comment: Stop-gained (nonsense): predicted to result in a loss or disruption of normal protein function through nonsense-mediated decay (NMD) or protein truncation. Multiple pathogenic variants are reported downstream of the variant (PVS1_VS). It is not observed in the gnomAD v2.1.1 dataset (PM2). Therefore, this variant is classified as likely pathogenic according to the recommendation of ACMG/AMP guideline.